The following is an entry in ClinVar:

ClinVar aggregate classification (germline): Benign. Review status: criteria provided, single submitter (1 of 4 stars). 2 submissions from 2 submitters: Benign (1). 1 of the submissions does not count toward it. Last evaluated 2026-02-02.

Conditions:
DHX37-related disorder. Also called: DHX37-related condition; DHX37-Related Disorders.

Allele frequency attached by ClinVar (database versions not stated): ESP Exome Variant Server 0.07994; 1000 Genomes Project 30x 0.08057; 1000 Genomes Project 0.08087; gnomAD 0.08431; TOPMed 0.08087; gnomAD exomes 0.09681; ExAC 0.12722.
gnomAD v4.1: 151,243 of 1,586,424 alleles (9.5%); highest among the groups gnomAD compares: South Asian, 11%; 7,520 homozygotes.

Submissions (2):

Labcorp Genetics (formerly Invitae), Labcorp
Classification: Benign. Last evaluated: 2026-02-02. Review status: criteria provided, single submitter. Criteria: Invitae Variant Classification Sherloc (09022015). Collection method: clinical testing. Allele origin: germline.

PreventionGenetics, part of Exact Sciences
Classification: Benign for DHX37-related condition. Last evaluated: 2019-11-21. Review status: no assertion criteria provided. Collection method: clinical testing. Allele origin: germline. Not counted in ClinVar's aggregate classification.
Comment: This variant is classified as benign based on ACMG/AMP sequence variant interpretation guidelines (Richards et al. 2015 PMID: 25741868, with internal and published modifications).

NM_032656.4(DHX37):c.1812+6C>T

Gene: DHX37 (DEAH-box helicase 37; minus strand). Cytogenetic location: 12q24.31.
Variant type: single nucleotide variant.
Coding change: c.1812+6C>T on transcript NM_032656.4 (MANE Select); 6 bases into the intron after coding-DNA position 1812, C replaced by T.
Molecular consequence: intron variant.
Genome position (GRCh38, 1-based): chr12:124,964,924, G>A on the plus strand (C>T on the coding strand, the complement: DHX37 is on the minus strand). VCF-style: chr12-124964924-G-A. GRCh37 (hg19) VCF-style: chr12-125449470-G-A.
Other names: c.1812+6C>T (NM_032656.3).
Identifiers: ClinVar variation 1994055 (VCV001994055.6), dbSNP rs73229567, ClinGen allele CA6871863.